The following is an entry in ClinVar:

ClinVar aggregate classification (germline): Uncertain significance. Review status: criteria provided, multiple submitters, no conflicts (2 of 4 stars). 2 submissions from 2 submitters: Uncertain significance (2). Last evaluated 2025-10-14.

Conditions:
Perry syndrome. Also called: PARKINSONISM WITH ALVEOLAR HYPOVENTILATION AND MENTAL DEPRESSION. Identifiers: Orphanet 178509, MedGen C1868594, MONDO:0008201, OMIM 168605.
Neuronopathy, distal hereditary motor, type 7B. Also called: NEURONOPATHY, DISTAL HEREDITARY MOTOR, AUTOSOMAL DOMINANT 14; NEURONOPATHY, DISTAL HEREDITARY MOTOR, HARDING TYPE VIIB; NEUROPATHY, DISTAL HEREDITARY MOTOR, HARDING TYPE VIIB; NEUROPATHY, DISTAL HEREDITARY MOTOR, WITH VOCAL CORD PARALYSIS, HARDING TYPE VIIB; HMN VIIB; LOWER MOTOR NEURON DISEASE, DYNACTIN TYPE. Identifiers: Orphanet 139589, MedGen C1843315, MONDO:0011879, OMIM 607641.
Amyotrophic lateral sclerosis type 1 (ALS1). Also called: AMYOTROPHIC LATERAL SCLEROSIS 1, FAMILIAL. Identifiers: Orphanet 803, MedGen C1862939, MONDO:0007103, OMIM 105400.
Inborn genetic diseases. Identifiers: MedGen C0950123, MeSH D030342.

Allele frequency attached by ClinVar (database versions not stated): gnomAD exomes below 0.00001; TOPMed 0.00001; ExAC 0.00002.
gnomAD v4.1: 7 of 1,614,166 alleles (0.00043%); highest among the groups gnomAD compares: Non-Finnish European, 0.00059%; no homozygotes.

Submissions (2):

Ambry Genetics
Classification: Uncertain significance for Inborn genetic diseases. Last evaluated: 2025-10-14. Review status: criteria provided, single submitter. Criteria: Ambry Variant Classification Scheme 2023. Collection method: clinical testing. Allele origin: germline.

Labcorp Genetics (formerly Invitae), Labcorp
Classification: Uncertain significance for Amyotrophic lateral sclerosis type 1; Neuronopathy, distal hereditary motor, type 7B; Perry syndrome. Last evaluated: 2024-08-20. Review status: criteria provided, single submitter. Criteria: Invitae Variant Classification Sherloc (09022015). Collection method: clinical testing. Allele origin: germline.
Comment: This sequence change replaces arginine, which is basic and polar, with histidine, which is basic and polar, at codon 521 of the DCTN1 protein (p.Arg521His). This variant is present in population databases (rs750997137, gnomAD 0.002%). This variant has not been reported in the literature in individuals affected with DCTN1-related conditions. ClinVar contains an entry for this variant (Variation ID: 2414399). Invitae Evidence Modeling of protein sequence and biophysical properties (such as structural, functional, and spatial information, amino acid conservation, physicochemical variation, residue mobility, and thermodynamic stability) indicates that this missense variant is expected to disrupt DCTN1 protein function with a positive predictive value of 80%. In summary, the available evidence is currently insufficient to determine the role of this variant in disease. Therefore, it has been classified as a Variant of Uncertain Significance.

NM_004082.5(DCTN1):c.1562G>A (p.Arg521His)

Gene: DCTN1 (dynactin subunit 1; minus strand). Cytogenetic location: 2p13.1.
Variant type: single nucleotide variant.
Coding change: c.1562G>A on transcript NM_004082.5 (MANE Select); coding-DNA position 1562, G replaced by A.
Protein change: p.Arg521His; replaces arginine 521 with histidine.
Molecular consequence: missense variant. On other transcripts: non-coding transcript variant (1).
Genome position (GRCh38, 1-based): chr2:74,369,322, C>T on the plus strand (G>A on the coding strand, the complement: DCTN1 is on the minus strand). VCF-style: chr2-74369322-C-T. GRCh37 (hg19) VCF-style: chr2-74596449-C-T.
Other names: c.1502G>A, p.Arg501His (NM_001135040.3); c.1160G>A, p.Arg387His (NM_001135041.3, NM_023019.4); c.1451G>A, p.Arg484His (NM_001190836.2); c.1541G>A, p.Arg514His (NM_001190837.2); c.1511G>A, p.Arg504His (NM_001378991.1); c.1493G>A, p.Arg498His (NM_001378992.1); short protein forms R387H, R484H, R498H, R501H, R504H, R514H, R521H.
Identifiers: ClinVar variation 2414399 (VCV002414399.8), dbSNP rs750997137, ClinGen allele CA1722119.